The following is an entry in ClinVar:

ClinVar aggregate classification (germline): Pathogenic. Review status: criteria provided, single submitter (1 of 4 stars). 2 submissions from 2 submitters: Pathogenic (1). 1 of the submissions does not count toward it. Last evaluated 2023-03-23.

Conditions:
Breast-ovarian cancer, familial, susceptibility to, 1 (BROVCA1). Also called: BRCA1 Hereditary Breast and Ovarian Cancer; OVARIAN CANCER, SUSCEPTIBILITY TO. Identifiers: Orphanet 145, MedGen C2676676, MONDO:0011450, OMIM 604370. Disease mechanism: loss of function.
Hereditary cancer-predisposing syndrome. Also called: Neoplastic Syndromes, Hereditary; Hereditary neoplastic syndrome; Hereditary Cancer Syndrome; Tumor predisposition. Identifiers: Orphanet 140162, MedGen C0027672, MeSH D009386, MONDO:0015356.

Submissions (3):

Ambry Genetics
Classification: Pathogenic for Hereditary cancer-predisposing syndrome. Last evaluated: 2023-03-23. Review status: criteria provided, single submitter. Criteria: Ambry Variant Classification Scheme 2023. Collection method: clinical testing. Allele origin: germline.
Comment: The p.Y1769* pathogenic mutation (also known as c.5307T>G), located in coding exon 19 of the BRCA1 gene, results from a T to G substitution at nucleotide position 5307. This changes the amino acid from a tyrosine to a stop codon within coding exon 19. One functional study found that this nucleotide substitution is non-functional in a high-throughput, genome editing, haploid cell survival assay (Findlay GM et al. Nature, 2018 Oct;562:217-222). This variant is considered to be rare based on population cohorts in the Genome Aggregation Database (gnomAD). In addition to the clinical data presented in the literature, this alteration is expected to result in loss of function by premature protein truncation or nonsense-mediated mRNA decay. As such, this alteration is interpreted as a disease-causing mutation.

Counsyl
Classification: Likely pathogenic for Breast-ovarian cancer, familial, susceptibility to, 1. Last evaluated: 2016-06-04. Review status: no assertion criteria provided. Collection method: clinical testing. Allele origin: unknown. Not counted in ClinVar's aggregate classification.

Brotman Baty Institute, University of Washington
No classification provided (evidence only). Condition: Breast-ovarian cancer, familial 1. Review status: no classification provided. Collection method: in vitro. Allele origin: not applicable. Functional consequence: functionally_abnormal. Not counted in ClinVar's aggregate classification.
ClinVar note: "not provided" was previously submitted as the classification for the variant. However, the classification appeared to be based only on an observation of functional data so it was converted to no classification on 2025-07-30.

Literature cited by the submitters: PubMed 30209399 (cited by Ambry Genetics); PubMed 10811118 (cited by Counsyl).

NM_007294.4(BRCA1):c.5307T>G (p.Tyr1769Ter)

Gene: BRCA1 (BRCA1 DNA repair associated; minus strand). Cytogenetic location: 17q21.31.
Variant type: single nucleotide variant.
Coding change: c.5307T>G on transcript NM_007294.4 (MANE Select); coding-DNA position 5307, T replaced by G.
Protein change: p.Tyr1769Ter; replaces tyrosine 1769 with a stop codon.
Molecular consequence: nonsense. On other transcripts: non-coding transcript variant (1).
Genome position (GRCh38, 1-based): chr17:43,051,088, A>C on the plus strand (T>G on the coding strand, the complement: BRCA1 is on the minus strand). VCF-style: chr17-43051088-A-C. GRCh37 (hg19) VCF-style: chr17-41203105-A-C.
Other names: c.5094T>G, p.Tyr1698Ter (NM_001407571.1, NM_001407894.1, NM_001407895.1 and 12 more transcripts); c.5373T>G, p.Tyr1791Ter (NM_001407581.1, NM_001407582.1); c.5370T>G, p.Tyr1790Ter (NM_001407583.1, NM_001407585.1, NM_001407587.1 and 1 more transcripts); c.5367T>G, p.Tyr1789Ter (NM_001407590.1, NM_001407591.1); c.5307T>G, p.Tyr1769Ter (NM_001407593.1, NM_001407594.1, NM_001407596.1 and 6 more transcripts); c.5304T>G, p.Tyr1768Ter (NM_001407619.1, NM_001407620.1, NM_001407621.1 and 17 more transcripts); c.5301T>G, p.Tyr1767Ter (NM_001407627.1, NM_001407638.1, NM_001407639.1 and 14 more transcripts); c.5298T>G, p.Tyr1766Ter (NM_001407644.1, NM_001407645.1); and 72 more; short protein forms Y1769*, Y1790*, Y1722*, Y665*, Y1656*, Y1699*, Y1700*, Y1721*.
Identifiers: ClinVar variation 371864 (VCV000371864.8), dbSNP rs397509258, ClinGen allele CA10590934.